The following is an entry in ClinVar:

NM_001040716.2(PC):c.2209A>G (p.Ile737Val)

Gene: PC (pyruvate carboxylase; minus strand). Cytogenetic location: 11q13.2.
Variant type: single nucleotide variant.
Coding change: c.2209A>G on transcript NM_001040716.2 (MANE Select); coding-DNA position 2209, A replaced by G.
Protein change: p.Ile737Val; replaces isoleucine 737 with valine.
Molecular consequence: missense variant.
Genome position (GRCh38, 1-based): chr11:66,851,054, T>C on the plus strand (A>G on the coding strand, the complement: PC is on the minus strand). VCF-style: chr11-66851054-T-C. GRCh37 (hg19) VCF-style: chr11-66618525-T-C.
Other names: c.2209A>G (NM_000920.3); c.2209A>G, p.Ile737Val (NM_000920.4, NM_022172.3); short protein forms I737V.
Identifiers: ClinVar variation 2199996 (VCV002199996.4), dbSNP rs1480573153, ClinGen allele CA381493471.

ClinVar aggregate classification (germline): Uncertain significance. Review status: criteria provided, multiple submitters, no conflicts (2 of 4 stars). 2 submissions from 2 submitters: Uncertain significance (2). Last evaluated 2025-10-01.

Conditions:
Inborn genetic diseases. Identifiers: MedGen C0950123, MeSH D030342.
Pyruvate carboxylase deficiency. Also called: LEIGH NECROTIZING ENCEPHALOPATHY DUE TO PYRUVATE CARBOXYLASE DEFICIENCY; LEIGH SYNDROME DUE TO PYRUVATE CARBOXYLASE DEFICIENCY; PC DEFICIENCY; ATAXIA WITH LACTIC ACIDOSIS II; Pyruvate Carboxylase Deficiency Disease. Identifiers: Orphanet 3008, MedGen C0034341, MONDO:0009949, OMIM 266150.

Allele frequency attached by ClinVar (database versions not stated): gnomAD 0.00001; gnomAD exomes 0.00001; TOPMed 0.00001.
gnomAD v4.1: 18 of 1,612,784 alleles (0.0011%); highest among the groups gnomAD compares: Admixed American, 0.0067%; no homozygotes.

Submissions (2):

Labcorp Genetics (formerly Invitae), Labcorp
Classification: Uncertain significance for Pyruvate carboxylase deficiency. Last evaluated: 2025-10-01. Review status: criteria provided, single submitter. Criteria: Invitae Variant Classification Sherloc (09022015). Collection method: clinical testing. Allele origin: germline.
Comment: This sequence change replaces isoleucine, which is neutral and non-polar, with valine, which is neutral and non-polar, at codon 737 of the PC protein (p.Ile737Val). This variant is present in population databases (no rsID available, gnomAD 0.006%). This variant has not been reported in the literature in individuals affected with PC-related conditions. ClinVar contains an entry for this variant (Variation ID: 2199996). Invitae Evidence Modeling of protein sequence and biophysical properties (such as structural, functional, and spatial information, amino acid conservation, physicochemical variation, residue mobility, and thermodynamic stability) indicates that this missense variant is not expected to disrupt PC protein function with a negative predictive value of 95%. In summary, the available evidence is currently insufficient to determine the role of this variant in disease. Therefore, it has been classified as a Variant of Uncertain Significance.

Ambry Genetics
Classification: Uncertain significance for Inborn genetic diseases. Last evaluated: 2023-03-13. Review status: criteria provided, single submitter. Criteria: Ambry Variant Classification Scheme 2023. Collection method: clinical testing. Allele origin: germline.